The following is an entry in ClinVar:

NM_001257.5(CDH13):c.1731C>T (p.Asp577=)

Gene: CDH13 (cadherin 13; plus strand). Cytogenetic location: 16q23.3.
Variant type: single nucleotide variant.
Coding change: c.1731C>T on transcript NM_001257.5 (MANE Select); coding-DNA position 1731, C replaced by T.
Protein change: p.Asp577=; no amino-acid change (aspartic acid 577 retained).
Molecular consequence: synonymous variant.
Genome position (GRCh38, 1-based): chr16:83,780,017, C>T. VCF-style: chr16-83780017-C-T. GRCh37 (hg19) VCF-style: chr16-83813622-C-T.
Other names: c.1872C>T, p.Asp624= (NM_001220488.2); c.1614C>T, p.Asp538= (NM_001220489.2); c.969C>T, p.Asp323= (NM_001220490.2).
Identifiers: ClinVar variation 3042892 (VCV003042892.2), dbSNP rs151311546, ClinGen allele CA8196859.
Genomic context (GRCh38, chr16:83,780,017, plus strand): 5'-TTTTCCCACAGGCAACCCTCCCGCTACGGGCACTGGGACTTTGCTGATAACCCTGGAGGA[C>T]GTGAATGACAATGCCCCGTTCATTTACCCCACAGTAGCTGAAGTCTGTGATGATGCCAAA-3'
Protein context (NP_001248.1, residues 567-587): GTGTLLITLE[Asp577=]VNDNAPFIYP

ClinVar aggregate classification (germline): Likely benign (0 of 4 stars; one submission).

Conditions:
CDH13-related disorder. Also called: CDH13-related condition.

Allele frequency attached by ClinVar (database versions not stated): 1000 Genomes Project 30x 0.00047; 1000 Genomes Project 0.00060; gnomAD 0.00062; TOPMed 0.00068; ExAC 0.00074; gnomAD exomes 0.00075; ESP Exome Variant Server 0.00082.
gnomAD v4.1: 1,224 of 1,613,952 alleles (0.076%); highest among the groups gnomAD compares: Middle Eastern, 0.63%; 2 homozygotes.

Submission:

PreventionGenetics, part of Exact Sciences
Classification: Likely benign for CDH13-related condition. Last evaluated: 2019-06-24. Review status: no assertion criteria provided. Collection method: clinical testing. Allele origin: germline.
Comment: This variant is classified as likely benign based on ACMG/AMP sequence variant interpretation guidelines (Richards et al. 2015 PMID: 25741868, with internal and published modifications).